The following is an entry in ClinVar:

NM_002354.3(EPCAM):c.646T>G (p.Phe216Val)

Gene: EPCAM (epithelial cell adhesion molecule; plus strand). Cytogenetic location: 2p21.
Variant type: single nucleotide variant.
Coding change: c.646T>G on transcript NM_002354.3 (MANE Select); coding-DNA position 646, T replaced by G.
Protein change: p.Phe216Val; replaces phenylalanine 216 with valine.
Molecular consequence: missense variant.
Genome position (GRCh38, 1-based): chr2:47,379,043, T>G. VCF-style: chr2-47379043-T-G. GRCh37 (hg19) VCF-style: chr2-47606182-T-G.
Other names: short protein forms F216V.
Identifiers: ClinVar variation 1753712 (VCV001753712.2), dbSNP rs576453738, ClinGen allele CA1649100.

ClinVar aggregate classification (germline): Uncertain significance (1 of 4 stars; one submission).

Conditions:
Hereditary cancer-predisposing syndrome. Also called: Neoplastic Syndromes, Hereditary; Tumor predisposition; Hereditary Cancer Syndrome; Hereditary neoplastic syndrome. Identifiers: Orphanet 140162, MedGen C0027672, MeSH D009386, MONDO:0015356.

Allele frequency attached by ClinVar (database versions not stated): gnomAD exomes below 0.00001; ExAC 0.00001; gnomAD 0.00001; TOPMed 0.00001; 1000 Genomes Project 30x 0.00016; 1000 Genomes Project 0.00020.
gnomAD v4.1: 4 of 1,567,140 alleles (0.00026%); highest among the groups gnomAD compares: African/African-American, 0.0054%; no homozygotes.

Submission:

Ambry Genetics
Classification: Uncertain significance for Hereditary cancer-predisposing syndrome. Last evaluated: 2022-07-19. Review status: criteria provided, single submitter. Criteria: Ambry Variant Classification Scheme 2023. Collection method: clinical testing. Allele origin: germline.
Comment: The p.F216V variant (also known as c.646T>G), located in coding exon 6 of the EPCAM gene, results from a T to G substitution at nucleotide position 646. The phenylalanine at codon 216 is replaced by valine, an amino acid with highly similar properties. This amino acid position is conserved. In addition, the in silico prediction for this alteration is inconclusive. Since supporting evidence is limited at this time, the clinical significance of this alteration remains unclear.